The following is an entry in ClinVar:

ClinVar aggregate classification (germline): Uncertain significance. Review status: criteria provided, multiple submitters, no conflicts (2 of 4 stars). 2 submissions from 2 submitters: Uncertain significance (2). Last evaluated 2025-01-27.

Conditions:
Inborn genetic diseases. Identifiers: MedGen C0950123, MeSH D030342.

Allele frequency attached by ClinVar (database versions not stated): gnomAD 0.00001; gnomAD exomes 0.00001; TOPMed 0.00001; ExAC 0.00004.
gnomAD v4.1: 19 of 1,613,108 alleles (0.0012%); highest among the groups gnomAD compares: Non-Finnish European, 0.0015%; no homozygotes.

Submissions (2):

Ambry Genetics
Classification: Uncertain significance for Inborn genetic diseases. Last evaluated: 2025-01-27. Review status: criteria provided, single submitter. Criteria: Ambry Variant Classification Scheme 2023. Collection method: clinical testing. Allele origin: germline.

Labcorp Genetics (formerly Invitae), Labcorp
Classification: Uncertain significance. Last evaluated: 2022-03-23. Review status: criteria provided, single submitter. Criteria: Invitae Variant Classification Sherloc (09022015). Collection method: clinical testing. Allele origin: germline.
Comment: This sequence change replaces isoleucine, which is neutral and non-polar, with valine, which is neutral and non-polar, at codon 119 of the GNPAT protein (p.Ile119Val). This variant is present in population databases (rs763857688, gnomAD 0.004%). This variant has not been reported in the literature in individuals affected with GNPAT-related conditions. Algorithms developed to predict the effect of missense changes on protein structure and function output the following: SIFT: "Tolerated"; PolyPhen-2: "Benign"; Align-GVGD: "Class C0". The valine amino acid residue is found in multiple mammalian species, which suggests that this missense change does not adversely affect protein function. In summary, the available evidence is currently insufficient to determine the role of this variant in disease. Therefore, it has been classified as a Variant of Uncertain Significance.

NM_014236.4(GNPAT):c.355A>G (p.Ile119Val)

Gene: GNPAT (glyceronephosphate O-acyltransferase; plus strand). Cytogenetic location: 1q42.2.
Variant type: single nucleotide variant.
Coding change: c.355A>G on transcript NM_014236.4 (MANE Select); coding-DNA position 355, A replaced by G.
Protein change: p.Ile119Val; replaces isoleucine 119 with valine.
Molecular consequence: missense variant.
Genome position (GRCh38, 1-based): chr1:231,260,600, A>G. VCF-style: chr1-231260600-A-G. GRCh37 (hg19) VCF-style: chr1-231396346-A-G.
Other names: c.172A>G, p.Ile58Val (NM_001316350.2); c.355A>G (NM_014236.3); short protein forms I119V, I58V.
Identifiers: ClinVar variation 2050110 (VCV002050110.2), dbSNP rs763857688, ClinGen allele CA1451775.